The following is an entry in ClinVar:

ClinVar aggregate classification (germline): Uncertain significance (1 of 4 stars; one submission).

Allele frequency attached by ClinVar (database versions not stated): gnomAD exomes below 0.00001 and 0.00001; gnomAD 0.00001 and 0.00002; TOPMed 0.00001.

Submission:

Labcorp Genetics (formerly Invitae), Labcorp
Classification: Uncertain significance. Last evaluated: 2022-10-14. Review status: criteria provided, single submitter. Criteria: Invitae Variant Classification Sherloc (09022015). Collection method: clinical testing. Allele origin: germline.
Comment: In summary, the available evidence is currently insufficient to determine the role of this variant in disease. Therefore, it has been classified as a Variant of Uncertain Significance. Algorithms developed to predict the effect of missense changes on protein structure and function are either unavailable or do not agree on the potential impact of this missense change (SIFT: "Not Available"; PolyPhen-2: "Possibly Damaging"; Align-GVGD: "Not Available"). ClinVar contains an entry for this variant (Variation ID: 1466048). This variant has not been reported in the literature in individuals affected with KCNK4-related conditions. The frequency data for this variant in the population databases is considered unreliable, as metrics indicate poor data quality at this position in the gnomAD database. This sequence change replaces leucine, which is neutral and non-polar, with proline, which is neutral and non-polar, at codon 27 of the KCNK4 protein (p.Leu27Pro).

NM_033310.3(KCNK4):c.80T>C (p.Leu27Pro)

Genes: KCNK4 (potassium two pore domain channel subfamily K member 4; plus strand), KCNK4-CATSPERZ (KCNK4-CATSPERZ readthrough (NMD candidate); plus strand). Cytogenetic location: 11q13.1.
Variant type: single nucleotide variant.
Coding change: c.80T>C on transcript NM_033310.3 (MANE Select); coding-DNA position 80, T replaced by C.
Protein change: p.Leu27Pro; replaces leucine 27 with proline.
Molecular consequence: missense variant. On other transcripts: non-coding transcript variant (2).
Genome position (GRCh38, 1-based): chr11:64,293,098, T>C. VCF-style: chr11-64293098-T-C. GRCh37 (hg19) VCF-style: chr11-64060570-T-C.
Other names: c.80T>C, p.Leu27Pro (NM_001317090.2); short protein forms L27P.
Identifiers: ClinVar variation 1466048 (VCV001466048.6), dbSNP rs1424520200, ClinGen allele CA381158273.
Genomic context (GRCh38, chr11:64,293,098, plus strand): 5'-TGGCCCTGCTGGCGCTGGTCTTGCTTTACTTGGTGTCTGGTGCCCTGGTGTTCCGGGCCC[T>C]GGAGCAGCCCCACGAGCAGCAGGCCCAGAGGGAGCTGGGGGAGGTCCGAGAGAAGTTCCT-3'
Protein context (NP_201567.1, residues 17-37): LVSGALVFRA[Leu27Pro]EQPHEQQAQR